The following is an entry in ClinVar:

NM_198514.4(NHLRC2):c.1040-4065G>A

Gene: NHLRC2 (NHL repeat containing 2; plus strand). Cytogenetic location: 10q25.3.
Variant type: single nucleotide variant.
Coding change: c.1040-4065G>A on transcript NM_198514.4 (MANE Select); 4065 bases into the intron before coding-DNA position 1040, G replaced by A.
Molecular consequence: intron variant.
Genome position (GRCh38, 1-based): chr10:113,894,045, G>A. VCF-style: chr10-113894045-G-A. GRCh37 (hg19) VCF-style: chr10-115653804-G-A.
Identifiers: ClinVar variation 4891164 (VCV004891164.1).

ClinVar aggregate classification (germline): Uncertain significance (1 of 4 stars; one submission).

gnomAD v4.1: 230 of 152,290 alleles (0.15%); highest among the groups gnomAD compares: Non-Finnish European, 0.26%; no homozygotes.

Submission:

Greenwood Genetic Center Diagnostic Laboratories, Greenwood Genetic Center
Classification: Uncertain significance. Last evaluated: 2026-04-02. Review status: criteria provided, single submitter. Criteria: ACMG Guidelines, 2015. Collection method: clinical testing. Allele origin: germline.
Comment: BP4